The following is an entry in ClinVar:

NM_001376.5(DYNC1H1):c.624G>A (p.Pro208=)

Gene: DYNC1H1 (dynein cytoplasmic 1 heavy chain 1; plus strand). Cytogenetic location: 14q32.31.
Variant type: single nucleotide variant.
Coding change: c.624G>A on transcript NM_001376.5 (MANE Select); coding-DNA position 624, G replaced by A.
Protein change: p.Pro208=; no amino-acid change (proline 208 retained).
Molecular consequence: synonymous variant.
Genome position (GRCh38, 1-based): chr14:101,979,824, G>A. VCF-style: chr14-101979824-G-A. GRCh37 (hg19) VCF-style: chr14-102446161-G-A.
Other names: p.P208P:CCG>CCA; p.Pro208=.
Identifiers: ClinVar variation 128939 (VCV000128939.39), dbSNP rs3818188, ClinGen allele CA152648.

ClinVar aggregate classification (germline): Benign. Review status: criteria provided, multiple submitters, no conflicts (2 of 4 stars). 18 submissions from 15 submitters: Benign (15). 3 of the submissions do not count toward it. Last evaluated 2026-02-04.

Conditions:
Autosomal dominant cerebellar ataxia. Also called: Spinocerebellar Ataxia, Dominant. Identifiers: Orphanet 99, MedGen C4087347, MONDO:0020380.
Inborn genetic diseases. Identifiers: MedGen C0950123, MeSH D030342.
Charcot-Marie-Tooth disease. Also called: Charcot-Marie-Tooth Neuropathy; Charcot-Marie-Tooth Hereditary Neuropathy. Identifiers: Orphanet 166, MedGen C0007959, MONDO:0015626.
Autosomal dominant childhood-onset proximal spinal muscular atrophy without contractures. Also called: Spinal muscular atrophy, lower extremity-predominant 1, AD; SPINAL MUSCULAR ATROPHY, CHILDHOOD, PROXIMAL, AUTOSOMAL DOMINANT; KUGELBERG-WELANDER SYNDROME, AUTOSOMAL DOMINANT; SPINAL MUSCULAR ATROPHY, JUVENILE, PROXIMAL, AUTOSOMAL DOMINANT. Identifiers: Orphanet 209341, Orphanet 363447, MedGen C5780022, MONDO:0008026, OMIM 158600.
Charcot-Marie-Tooth disease axonal type 2O. Also called: CHARCOT-MARIE-TOOTH NEUROPATHY, AXONAL, TYPE 2O; CHARCOT-MARIE-TOOTH DISEASE, AXONAL, AUTOSOMAL DOMINANT, TYPE 2O; Charcot-Marie-Tooth Neuropathy Type 2O; Charcot-Marie-Tooth disease, axonal, type 20. Identifiers: Orphanet 284232, MedGen C3280220, MONDO:0013644, OMIM 614228.
Cortical dysplasia, complex, with other brain malformations 13. Also called: Intellectual disability, autosomal dominant 13. Identifiers: MedGen C3281202, MONDO:0013805, OMIM 614563.

Allele frequency attached by ClinVar (database versions not stated): ESP Exome Variant Server 0.14301; gnomAD 0.16558 and 0.17021; TOPMed 0.17512; gnomAD exomes 0.19231 and 0.22129; 1000 Genomes Project 30x 0.20534; 1000 Genomes Project 0.20847; ExAC 0.21217.
gnomAD v4.1: 307,852 of 1,614,016 alleles (19%); highest among the groups gnomAD compares: East Asian, 49%; 33,781 homozygotes.

Submissions (18):

Labcorp Genetics (formerly Invitae), Labcorp
Classification: Benign for Charcot-Marie-Tooth disease axonal type 2O. Last evaluated: 2026-02-04. Review status: criteria provided, single submitter. Criteria: Invitae Variant Classification Sherloc (09022015). Collection method: clinical testing. Allele origin: germline.

Genome-Nilou Lab
Classification: Benign for Charcot-Marie-Tooth disease axonal type 2O. Last evaluated: 2021-07-30. Review status: criteria provided, single submitter. Criteria: ACMG Guidelines, 2015. Collection method: clinical testing. Allele origin: germline. Affected: no.

Genome-Nilou Lab
Classification: Benign for Cortical dysplasia, complex, with other brain malformations 13. Last evaluated: 2021-07-30. Review status: criteria provided, single submitter. Criteria: ACMG Guidelines, 2015. Collection method: clinical testing. Allele origin: germline. Affected: no.

Genome-Nilou Lab
Classification: Benign for Autosomal dominant childhood-onset proximal spinal muscular atrophy without contractures. Last evaluated: 2021-07-30. Review status: criteria provided, single submitter. Criteria: ACMG Guidelines, 2015. Collection method: clinical testing. Allele origin: germline. Affected: no.

Illumina Laboratory Services, Illumina
Classification: Benign for Spinocerebellar Ataxia, Dominant. Last evaluated: 2018-01-13. Review status: criteria provided, single submitter. Criteria: ICSL Variant Classification Criteria 13 December 2019. Collection method: clinical testing. Allele origin: germline.
Comment: This variant was observed in the ICSL laboratory as part of a predisposition screen in an ostensibly healthy population. It had not been previously curated by ICSL or reported in the Human Gene Mutation Database (HGMD: prior to June 1st, 2018), and was therefore a candidate for classification through an automated scoring system. Utilizing variant allele frequency, disease prevalence and penetrance estimates, and inheritance mode, an automated score was calculated to assess if this variant is too frequent to cause the disease. Based on the score and internal cut-off values, a variant classified as benign is not then subjected to further curation. The score for this variant resulted in a classification of benign for this disease.

Illumina Laboratory Services, Illumina
Classification: Benign for Charcot-Marie-Tooth disease axonal type 2O. Last evaluated: 2018-01-13. Review status: criteria provided, single submitter. Criteria: ICSL Variant Classification Criteria 13 December 2019. Collection method: clinical testing. Allele origin: germline.
Comment: the same text as in the submission from Illumina Laboratory Services, Illumina above.

Mayo Clinic Laboratories, Mayo Clinic
Classification: Benign. Last evaluated: 2016-04-07. Review status: criteria provided, single submitter. Criteria: ACMG Guidelines, 2015. Collection method: clinical testing. Allele origin: germline. Observed: 733 variant alleles.

Laboratory for Molecular Medicine, Mass General Brigham Personalized Medicine
Classification: Benign. Last evaluated: 2016-03-28. Review status: criteria provided, single submitter. Criteria: LMM Criteria. Collection method: clinical testing. Allele origin: germline.
Comment: Variant identified in a genome or exome case(s) and assessed due to predicted null impact of the variant or pathogenic assertions in the literature or databases. Disclaimer: This variant has not undergone full assessment. The following are preliminary notes: Frequency

Ambry Genetics
Classification: Benign for Inborn genetic diseases. Last evaluated: 2016-01-08. Review status: criteria provided, single submitter. Criteria: Ambry Variant Classification Scheme 2023. Collection method: clinical testing. Allele origin: germline.

Eurofins Ntd Llc (ga)
Classification: Benign. Last evaluated: 2015-10-14. Review status: criteria provided, single submitter. Criteria: EGL Classification Definitions 2015. Collection method: clinical testing. Allele origin: germline. Observed: 1 variant allele, 1 heterozygote.

GeneDx
Classification: Benign. Last evaluated: 2014-01-20. Review status: criteria provided, single submitter. Criteria: GeneDx Variant Classification (06012015). Collection method: clinical testing. Allele origin: germline. Affected: yes.
Comment: This variant is considered likely benign or benign based on one or more of the following criteria: it is a conservative change, it occurs at a poorly conserved position in the protein, it is predicted to be benign by multiple in silico algorithms, and/or has population frequency not consistent with disease.

Genetic Services Laboratory, University of Chicago
Classification: Benign for AllHighlyPenetrant. Last evaluated: 2013-04-25. Review status: criteria provided, single submitter. Criteria: ACMG Guidelines, 2007. Collection method: clinical testing. Allele origin: germline. Inheritance: Autosomal dominant inheritance.

Breakthrough Genomics
Classification: Benign. Review status: criteria provided, single submitter. Criteria: ACMG Guidelines, 2015. Collection method: not provided. Allele origin: germline. Inheritance: Autosomal dominant inheritance. Affected: yes.

Molecular Genetics Laboratory, London Health Sciences Centre
Classification: Benign for Charcot-Marie-Tooth disease. Review status: criteria provided, single submitter. Criteria: ACMG Guidelines, 2015. Collection method: clinical testing. Allele origin: germline. Affected: yes.

PreventionGenetics, part of Exact Sciences
Classification: Benign. Review status: criteria provided, single submitter. Criteria: ACMG Guidelines, 2015. Collection method: clinical testing. Allele origin: germline.

Clinical Genetics DNA and cytogenetics Diagnostics Lab, Erasmus MC, Erasmus Medical Center
Classification: Benign. Review status: no assertion criteria provided. Collection method: clinical testing. Allele origin: germline. Affected: yes. Study: VKGL Data-share Consensus. Not counted in ClinVar's aggregate classification.

Clinical Genetics, Academic Medical Center
Classification: Benign. Review status: no assertion criteria provided. Collection method: clinical testing. Allele origin: germline. Affected: yes. Study: VKGL Data-share Consensus. Not counted in ClinVar's aggregate classification.

Joint Genome Diagnostic Labs from Nijmegen and Maastricht, Radboudumc and MUMC+
Classification: Benign. Review status: no assertion criteria provided. Collection method: clinical testing. Allele origin: germline. Affected: yes. Study: VKGL Data-share Consensus. Not counted in ClinVar's aggregate classification.